The following is an entry in ClinVar:

NM_000094.4(COL7A1):c.6851G>A (p.Gly2284Asp)

Gene: COL7A1 (collagen type VII alpha 1 chain; minus strand). Cytogenetic location: 3p21.31.
Variant type: single nucleotide variant.
Coding change: c.6851G>A on transcript NM_000094.4 (MANE Select); coding-DNA position 6851, G replaced by A.
Protein change: p.Gly2284Asp; replaces glycine 2284 with aspartic acid.
Molecular consequence: missense variant.
Genome position (GRCh38, 1-based): chr3:48,572,720, C>T on the plus strand (G>A on the coding strand, the complement: COL7A1 is on the minus strand). VCF-style: chr3-48572720-C-T. GRCh37 (hg19) VCF-style: chr3-48610153-C-T.
Other names: short protein forms G2284D.
Identifiers: ClinVar variation 4801656 (VCV004801656.1).

ClinVar aggregate classification (germline): Uncertain significance (1 of 4 stars; one submission).

gnomAD v4.1: 1 of 1,609,380 alleles (0.000062%); highest among the groups gnomAD compares: Non-Finnish European, 0.000085%; no homozygotes.

Submission:

Labcorp Genetics (formerly Invitae), Labcorp
Classification: Uncertain significance. Last evaluated: 2025-10-26. Review status: criteria provided, single submitter. Criteria: Invitae Variant Classification Sherloc (09022015). Collection method: clinical testing. Allele origin: germline.
Comment: This sequence change replaces glycine, which is neutral and non-polar, with aspartic acid, which is acidic and polar, at codon 2284 of the COL7A1 protein (p.Gly2284Asp). This variant is not present in population databases (gnomAD no frequency). This variant has not been reported in the literature in individuals affected with COL7A1-related conditions. Invitae Evidence Modeling of protein sequence and biophysical properties (such as structural, functional, and spatial information, amino acid conservation, physicochemical variation, residue mobility, and thermodynamic stability) indicates that this missense variant is expected to disrupt COL7A1 protein function with a positive predictive value of 95%. This variant disrupts the triple helix domain of COL7A1. Glycine residues within the Gly-Xaa-Yaa repeats of the triple helix domain are required for the structure and stability of fibrillar collagens (PMID: 7695699, 8218237, 19344236), and variants at these glycine residues in COL7A1 are more frequently observed in individuals with disease than in the general population (PMID: 22058051). However, the clinical significance of this observation remains uncertain since only a limited number of affected individuals have been described to date. In summary, the available evidence is currently insufficient to determine the role of this variant in disease. Therefore, it has been classified as a Variant of Uncertain Significance.

Literature cited by the submitters: PubMed 7695699; PubMed 8218237; PubMed 19344236; PubMed 22058051.